The following is an entry in ClinVar:

ClinVar aggregate classification (germline): Benign/Likely benign. Review status: criteria provided, multiple submitters, no conflicts (2 of 4 stars). 2 submissions from 2 submitters: Benign (1); Likely benign (1). Last evaluated 2024-10-29.

Conditions:
Prostate cancer, hereditary, 9 (HPC9). Identifiers: Orphanet 1331, MedGen C1970250, MONDO:0012597, OMIM 610997.

Submissions (2):

Myriad Genetics, Inc.
Classification: Benign for Prostate cancer, hereditary, 9. Last evaluated: 2024-10-29. Review status: criteria provided, single submitter. Criteria: Myriad Autosomal Dominant, Autosomal Recessive and X-Linked Classification Criteria (2023). Collection method: clinical testing. Allele origin: unknown.
Comment: This variant is considered benign. This variant is a silent/synonymous amino acid change and it is not expected to impact splicing.

Labcorp Genetics (formerly Invitae), Labcorp
Classification: Likely benign. Last evaluated: 2021-04-16. Review status: criteria provided, single submitter. Criteria: Invitae Variant Classification Sherloc (09022015). Collection method: clinical testing. Allele origin: germline.

NM_006361.6(HOXB13):c.312C>T (p.Ala104=)

Gene: HOXB13 (homeobox B13; minus strand). Cytogenetic location: 17q21.32.
Variant type: single nucleotide variant.
Coding change: c.312C>T on transcript NM_006361.6 (MANE Select); coding-DNA position 312, C replaced by T.
Protein change: p.Ala104=; no amino-acid change (alanine 104 retained).
Molecular consequence: synonymous variant.
Genome position (GRCh38, 1-based): chr17:48,728,282, G>A on the plus strand (C>T on the coding strand, the complement: HOXB13 is on the minus strand). VCF-style: chr17-48728282-G-A. GRCh37 (hg19) VCF-style: chr17-46805644-G-A.
Identifiers: ClinVar variation 1551349 (VCV001551349.9), dbSNP rs2143072939, ClinGen allele CA500661933.